The following is an entry in ClinVar:

ClinVar aggregate classification (germline): Uncertain significance. Review status: criteria provided, multiple submitters, no conflicts (2 of 4 stars). 3 submissions from 3 submitters: Uncertain significance (2). 1 of the submissions does not count toward it. Last evaluated 2025-07-02.

Conditions:
THPO-related disorder. Also called: THPO-related condition.
Inborn genetic diseases. Identifiers: MedGen C0950123, MeSH D030342.

Allele frequency attached by ClinVar (database versions not stated): gnomAD exomes 0.00003; TOPMed 0.00002; gnomAD 0.00001.

Submissions (3):

Labcorp Genetics (formerly Invitae), Labcorp
Classification: Uncertain significance. Last evaluated: 2025-07-02. Review status: criteria provided, single submitter. Criteria: Invitae Variant Classification Sherloc (09022015). Collection method: clinical testing. Allele origin: germline.
Comment: This sequence change replaces arginine, which is basic and polar, with tryptophan, which is neutral and slightly polar, at codon 175 of the THPO protein (p.Arg175Trp). The frequency data for this variant in the population databases is considered unreliable, as metrics indicate poor data quality at this position in the gnomAD database. This variant has not been reported in the literature in individuals affected with THPO-related conditions. ClinVar contains an entry for this variant (Variation ID: 2896607). Invitae Evidence Modeling of protein sequence and biophysical properties (such as structural, functional, and spatial information, amino acid conservation, physicochemical variation, residue mobility, and thermodynamic stability) indicates that this missense variant is not expected to disrupt THPO protein function with a negative predictive value of 80%. In summary, the available evidence is currently insufficient to determine the role of this variant in disease. Therefore, it has been classified as a Variant of Uncertain Significance.

Ambry Genetics
Classification: Uncertain significance for Inborn genetic diseases. Last evaluated: 2024-05-13. Review status: criteria provided, single submitter. Criteria: Ambry Variant Classification Scheme 2023. Collection method: clinical testing. Allele origin: germline.

PreventionGenetics, part of Exact Sciences
Classification: Uncertain significance for THPO-related condition. Last evaluated: 2024-05-28. Review status: no assertion criteria provided. Collection method: clinical testing. Allele origin: germline. Not counted in ClinVar's aggregate classification.
Comment: The THPO c.523C>T variant is predicted to result in the amino acid substitution p.Arg175Trp. To our knowledge, this variant has not been reported in the literature. This variant is reported in 0.00088% of alleles in individuals of European (Non-Finnish) descent in gnomAD. At this time, the clinical significance of this variant is uncertain due to the absence of conclusive functional and genetic evidence.

NM_000460.4(THPO):c.523C>T (p.Arg175Trp)

Gene: THPO (thrombopoietin; minus strand). Cytogenetic location: 3q27.1.
Variant type: single nucleotide variant.
Coding change: c.523C>T on transcript NM_000460.4 (MANE Select); coding-DNA position 523, C replaced by T.
Protein change: p.Arg175Trp; replaces arginine 175 with tryptophan.
Molecular consequence: missense variant. On other transcripts: intron variant (2).
Genome position (GRCh38, 1-based): chr3:184,373,052, G>A on the plus strand (C>T on the coding strand, the complement: THPO is on the minus strand). VCF-style: chr3-184373052-G-A. GRCh37 (hg19) VCF-style: chr3-184090840-G-A.
Other names: c.506C>T, p.Ala169Val (NM_001177598.2, NM_001290026.1); c.523C>T, p.Arg175Trp (NM_001289998.1, NM_001290028.1); c.943C>T, p.Arg315Trp (NM_001290003.1); c.511C>T, p.Arg171Trp (NM_001290022.1, NM_001177597.2); c.477+46C>T (NM_001290027.1, NM_001289997.1); c.523C>T (NM_000460.2, NM_000460.3); short protein forms R175W, A169V, R171W, R315W.
Identifiers: ClinVar variation 2896607 (VCV002896607.5), dbSNP rs746926877, ClinGen allele CA88912514.